The following is an entry in ClinVar:

NM_020297.4(ABCC9):c.2770-15C>G

Gene: ABCC9 (ATP binding cassette subfamily C member 9; minus strand). Cytogenetic location: 12p12.1.
Variant type: single nucleotide variant.
Coding change: c.2770-15C>G on transcript NM_020297.4 (MANE Select); 15 bases into the intron before coding-DNA position 2770, C replaced by G.
Molecular consequence: intron variant.
Genome position (GRCh38, 1-based): chr12:21,848,261, G>C on the plus strand (C>G on the coding strand, the complement: ABCC9 is on the minus strand). VCF-style: chr12-21848261-G-C. GRCh37 (hg19) VCF-style: chr12-22001195-G-C.
Other names: c.1903-15C>G (NM_001377274.1); c.2770-15C>G (NM_005691.4, NM_001377273.1).
Identifiers: ClinVar variation 2791974 (VCV002791974.3), dbSNP rs1323502127, ClinGen allele CA686421045.

ClinVar aggregate classification (germline): Uncertain significance (1 of 4 stars; one submission).

Conditions:
Dilated cardiomyopathy 1O (CMD1O). Also called: CARDIOMYOPATHY, DILATED, WITH VENTRICULAR TACHYCARDIA. Identifiers: Orphanet 154, MedGen C1837839, MONDO:0012062, OMIM 608569.

Allele frequency attached by ClinVar (database versions not stated): TOPMed below 0.00001; gnomAD 0.00001.
gnomAD v4.1: 1 of 1,605,138 alleles (0.000062%); highest among the groups gnomAD compares: Non-Finnish European, 0.000085%; no homozygotes.

Submission:

Labcorp Genetics (formerly Invitae), Labcorp
Classification: Uncertain significance for Dilated cardiomyopathy 1O. Last evaluated: 2022-12-11. Review status: criteria provided, single submitter. Criteria: Invitae Variant Classification Sherloc (09022015). Collection method: clinical testing. Allele origin: germline.
Comment: This sequence change falls in intron 22 of the ABCC9 gene. It does not directly change the encoded amino acid sequence of the ABCC9 protein. This variant is not present in population databases (gnomAD no frequency). In summary, the available evidence is currently insufficient to determine the role of this variant in disease. Therefore, it has been classified as a Variant of Uncertain Significance. Algorithms developed to predict the effect of sequence changes on RNA splicing suggest that this variant may disrupt the consensus splice site. This variant has not been reported in the literature in individuals affected with ABCC9-related conditions.